The following is an entry in ClinVar:

ClinVar aggregate classification (germline): Uncertain significance. Review status: criteria provided, multiple submitters, no conflicts (2 of 4 stars). 3 submissions from 3 submitters: Uncertain significance (3). Last evaluated 2025-10-29.

Conditions:
Inborn genetic diseases. Identifiers: MedGen C0950123, MeSH D030342.
Cranioectodermal dysplasia 1 (CED1). Also called: LEVIN SYNDROME I. Identifiers: Orphanet 1515, MedGen C0432235, MONDO:0021093, OMIM 218330.

Allele frequency attached by ClinVar (database versions not stated): ExAC 0.00002; gnomAD 0.00002; gnomAD exomes 0.00002; TOPMed 0.00003.
gnomAD v4.1: 57 of 1,606,724 alleles (0.0035%); highest among the groups gnomAD compares: Non-Finnish European, 0.0047%; no homozygotes.

Submissions (3):

Ambry Genetics
Classification: Uncertain significance for Inborn genetic diseases. Last evaluated: 2025-10-29. Review status: criteria provided, single submitter. Criteria: Ambry Variant Classification Scheme 2023. Collection method: clinical testing. Allele origin: germline.

Labcorp Genetics (formerly Invitae), Labcorp
Classification: Uncertain significance for Cranioectodermal dysplasia 1. Last evaluated: 2021-11-24. Review status: criteria provided, single submitter. Criteria: Invitae Variant Classification Sherloc (09022015). Collection method: clinical testing. Allele origin: germline.
Comment: In summary, the available evidence is currently insufficient to determine the role of this variant in disease. Therefore, it has been classified as a Variant of Uncertain Significance. Algorithms developed to predict the effect of missense changes on protein structure and function are either unavailable or do not agree on the potential impact of this missense change (SIFT: "Deleterious"; PolyPhen-2: "Benign"; Align-GVGD: "Class C0"). This variant has not been reported in the literature in individuals affected with IFT122-related conditions. This variant is present in population databases (rs754275024, gnomAD 0.005%). This sequence change replaces arginine, which is basic and polar, with histidine, which is basic and polar, at codon 577 of the IFT122 protein (p.Arg577His).

Fulgent Genetics
Classification: Uncertain significance for Cranioectodermal dysplasia 1. Last evaluated: 2021-09-08. Review status: criteria provided, single submitter. Criteria: ACMG Guidelines, 2015. Collection method: clinical testing. Allele origin: unknown.

NM_052989.3(IFT122):c.1577G>A (p.Arg526His)

Gene: IFT122 (intraflagellar transport 122; plus strand). Cytogenetic location: 3q21.3.
Variant type: single nucleotide variant.
Coding change: c.1577G>A on transcript NM_052989.3 (MANE Select); coding-DNA position 1577, G replaced by A.
Protein change: p.Arg526His; replaces arginine 526 with histidine.
Molecular consequence: missense variant.
Genome position (GRCh38, 1-based): chr3:129,481,618, G>A. VCF-style: chr3-129481618-G-A. GRCh37 (hg19) VCF-style: chr3-129200461-G-A.
Other names: c.1553G>A, p.Arg518His (NM_001280541.2); c.1127G>A, p.Arg376His (NM_001280545.2); c.950G>A, p.Arg317His (NM_001280546.2); c.1400G>A, p.Arg467His (NM_018262.4); c.1730G>A, p.Arg577His (NM_052985.4); c.1244G>A, p.Arg415His (NM_052990.3); c.1730G>A (NM_052985.2); short protein forms R518H, R376H, R317H, R467H, R526H, R577H, R415H.
Identifiers: ClinVar variation 1354069 (VCV001354069.6), dbSNP rs754275024, ClinGen allele CA2606224.